The following is an entry in ClinVar:

ClinVar aggregate classification (germline): Uncertain significance (1 of 4 stars; one submission).

gnomAD v4.1: 1 of 1,614,100 alleles (0.000062%); highest among the groups gnomAD compares: Non-Finnish European, 0.000085%; no homozygotes.

Submission:

Ambry Genetics
Classification: Uncertain significance. Last evaluated: 2025-09-18. Review status: criteria provided, single submitter. Criteria: Ambry Variant Classification Scheme 2023. Collection method: clinical testing. Allele origin: germline.
Comment: The p.N528S variant (also known as c.1583A>G), located in coding exon 1 of the TET2 gene, results from an A to G substitution at nucleotide position 1583. The asparagine at codon 528 is replaced by serine, an amino acid with highly similar properties. This amino acid position is conserved. In addition, this alteration is predicted to be tolerated by in silico analysis. Based on the available evidence, the clinical significance of this variant remains unclear.

NM_001127208.3(TET2):c.1583A>G (p.Asn528Ser)

Genes: TET2 (tet methylcytosine dioxygenase 2; plus strand), TET2-AS1 (TET2 antisense RNA 1; minus strand). Cytogenetic location: 4q24.
Variant type: single nucleotide variant.
Coding change: c.1583A>G on transcript NM_001127208.3 (MANE Select); coding-DNA position 1583, A replaced by G.
Protein change: p.Asn528Ser; replaces asparagine 528 with serine.
Molecular consequence: missense variant.
Genome position (GRCh38, 1-based): chr4:105,235,525, A>G. VCF-style: chr4-105235525-A-G. GRCh37 (hg19) VCF-style: chr4-106156682-A-G.
Other names: c.1583A>G, p.Asn528Ser (NM_017628.4); short protein forms N528S.
Identifiers: ClinVar variation 4594114 (VCV004594114.1).
Genomic context (GRCh38, chr4:105,235,525, plus strand): 5'-TGTCAGAACACCTCAAGCATAACCCACCAATTTTTGGTAGCAGTGGAGAGCTACAGGACA[A>G]CTGCCAGCAGTTGATGAGAAACAAAGAGCAAGAGATTCTGAAGGGTCGAGACAAGGAGCA-3'
Protein context (NP_001120680.1, residues 518-538): IFGSSGELQD[Asn528Ser]CQQLMRNKEQ